The following is an entry in ClinVar:

NM_025074.7(FRAS1):c.5999_6000delinsC (p.Lys2000fs)

Gene: FRAS1 (Fraser extracellular matrix complex subunit 1; plus strand). Cytogenetic location: 4q21.21.
Variant type: Indel.
Coding change: c.5999_6000delinsC on transcript NM_025074.7 (MANE Select); coding-DNA positions 5999 to 6000, AG replaced by C.
Protein change: p.Lys2000fs; shifts the reading frame from lysine 2000.
Molecular consequence: frameshift variant.
Genome position (GRCh38, 1-based): chr4:78,446,869-78,446,870, AG replaced by C. VCF-style: chr4-78446869-AG-C. GRCh37 (hg19) VCF-style: chr4-79368023-AG-C.
Other names: short protein forms K2000fs.
Identifiers: ClinVar variation 2066374 (VCV002066374.4), dbSNP rs2477220689, ClinGen allele CA2580071818.
Genomic context (GRCh38, chr4:78,446,869, plus strand): 5'-CTTTGAGCCTGCAAGACCTGGACACCCCAGATAATGAGCTCATTTTTGTATTGACAAAAA[AG>C]CCTGACCACGGTAGGGCACGAACTGCTATGAAAAGCTTCTTAATTGAGATGCCCGATGGG-3'

ClinVar aggregate classification (germline): Pathogenic (1 of 4 stars; one submission).

Submission:

Labcorp Genetics (formerly Invitae), Labcorp
Classification: Pathogenic. Last evaluated: 2021-12-30. Review status: criteria provided, single submitter. Criteria: Invitae Variant Classification Sherloc (09022015). Collection method: clinical testing. Allele origin: germline.
Comment: For these reasons, this variant has been classified as Pathogenic. This variant has not been reported in the literature in individuals affected with FRAS1-related conditions. This variant is not present in population databases (gnomAD no frequency). This sequence change creates a premature translational stop signal (p.Lys2000Thrfs*23) in the FRAS1 gene. It is expected to result in an absent or disrupted protein product. Loss-of-function variants in FRAS1 are known to be pathogenic (PMID: 12766769, 18671281).

Literature cited by the submitters: PubMed 12766769; PubMed 18671281.